The following is an entry in ClinVar:

ClinVar aggregate classification (germline): Pathogenic (1 of 4 stars; one submission).

Conditions:
Fanconi anemia (FA). Also called: Fanconi's anemia. Identifiers: Orphanet 84, MedGen C0015625, MeSH D005199, MONDO:0019391.

Submission:

Labcorp Genetics (formerly Invitae), Labcorp
Classification: Pathogenic for Fanconi anemia. Last evaluated: 2023-12-02. Review status: criteria provided, single submitter. Criteria: Invitae Variant Classification Sherloc (09022015). Collection method: clinical testing. Allele origin: germline.
Comment: This sequence change creates a premature translational stop signal (p.Thr325Leufs*10) in the FANCA gene. It is expected to result in an absent or disrupted protein product. Loss-of-function variants in FANCA are known to be pathogenic (PMID: 19367192). This variant is not present in population databases (gnomAD no frequency). This variant has not been reported in the literature in individuals affected with FANCA-related conditions. For these reasons, this variant has been classified as Pathogenic.

Literature cited by the submitters: PubMed 19367192.

NM_000135.4(FANCA):c.972del (p.Thr325fs)

Gene: FANCA (FA complementation group A; minus strand). Cytogenetic location: 16q24.3.
Variant type: Deletion.
Coding change: c.972del on transcript NM_000135.4 (MANE Select); coding-DNA position 972, one base deleted (G; older notation c.972delG).
Protein change: p.Thr325fs; shifts the reading frame from threonine 325.
Molecular consequence: frameshift variant.
Genome position (GRCh38, 1-based): chr16:89,795,940, C deleted on the plus strand (G on the coding strand, the reverse complement: FANCA is on the minus strand). VCF-style (leftmost placement, unchanged base first): chr16-89795939-TC-T. GRCh37 (hg19) VCF-style: chr16-89862347-TC-T.
Other names: c.972del, p.Thr325fs (NM_001286167.3); short protein forms T325fs.
Identifiers: ClinVar variation 2700478 (VCV002700478.3), dbSNP rs2544288250, ClinGen allele CA2697556029.
Genomic context (GRCh38, chr16:89,795,939, plus strand): 5'-ACTGAGCAGCCTCCACACTGGGCCTACCTTTCAGCACAGGGCTGTGAGTGAGTATCTGAG[TC>T]AGGGTATGACTGAAGAACCTCTTCAGAGGATCTGTGGAAATTACACTGCCAAGCGTGTGT-3'